The following is an entry in ClinVar:

ClinVar aggregate classification (germline): Uncertain significance (1 of 4 stars; one submission).

Conditions:
Cardiovascular phenotype. Identifiers: MedGen CN230736.

Submission:

Ambry Genetics
Classification: Uncertain significance for Cardiovascular phenotype. Last evaluated: 2026-03-12. Review status: criteria provided, single submitter. Criteria: Ambry Variant Classification Scheme 2023. Collection method: clinical testing. Allele origin: germline.
Comment: The p.T338S variant (also known as c.1013C>G), located in coding exon 7 of the ABCG8 gene, results from a C to G substitution at nucleotide position 1013. The threonine at codon 338 is replaced by serine, an amino acid with similar properties. This amino acid position is conserved. In addition, this alteration is predicted to be tolerated by in silico analysis. Based on the available evidence, the clinical significance of this variant remains unclear.

NM_022437.3(ABCG8):c.1013C>G (p.Thr338Ser)

Gene: ABCG8 (ATP binding cassette subfamily G member 8; plus strand). Cytogenetic location: 2p21.
Variant type: single nucleotide variant.
Coding change: c.1013C>G on transcript NM_022437.3 (MANE Select); coding-DNA position 1013, C replaced by G.
Protein change: p.Thr338Ser; replaces threonine 338 with serine.
Molecular consequence: missense variant.
Genome position (GRCh38, 1-based): chr2:43,872,024, C>G. VCF-style: chr2-43872024-C-G. GRCh37 (hg19) VCF-style: chr2-44099163-C-G.
Other names: c.1013C>G, p.Thr338Ser (NM_001357321.2); short protein forms T338S.
Identifiers: ClinVar variation 4826640 (VCV004826640.1).